The following is an entry in ClinVar:

ClinVar aggregate classification (germline): Uncertain significance (1 of 4 stars; one submission).

Conditions:
Hereditary cancer-predisposing syndrome. Also called: Neoplastic Syndromes, Hereditary; Tumor predisposition; Hereditary Cancer Syndrome; Hereditary neoplastic syndrome. Identifiers: Orphanet 140162, MedGen C0027672, MeSH D009386, MONDO:0015356.

Submission:

Ambry Genetics
Classification: Uncertain significance for Hereditary cancer-predisposing syndrome. Last evaluated: 2026-03-25. Review status: criteria provided, single submitter. Criteria: Ambry Variant Classification Scheme 2023. Collection method: clinical testing. Allele origin: germline.
Comment: The c.3003A>T variant (also known as p.S1001S), located in coding exon 21 of the TSC1 gene, results from an A to T substitution at nucleotide position 3003. This nucleotide substitution does not change the amino acid at codon 1001. This nucleotide position is poorly conserved in available vertebrate species. In silico splice site analysis predicts that this alteration may result in the creation or strengthening of a novel splice acceptor site. Based on the available evidence, the clinical significance of this variant remains unclear.

NM_000368.5(TSC1):c.3003A>T (p.Ser1001=)

Gene: TSC1 (TSC complex subunit 1; minus strand). Cytogenetic location: 9q34.13.
Variant type: single nucleotide variant.
Coding change: c.3003A>T on transcript NM_000368.5 (MANE Select); coding-DNA position 3003, A replaced by T.
Protein change: p.Ser1001=; no amino-acid change (serine 1001 retained).
Molecular consequence: synonymous variant. On other transcripts: non-coding transcript variant (5).
Genome position (GRCh38, 1-based): chr9:132,896,727, T>A on the plus strand (A>T on the coding strand, the complement: TSC1 is on the minus strand). VCF-style: chr9-132896727-T-A. GRCh37 (hg19) VCF-style: chr9-135772114-T-A.
Other names: c.2052A>T, p.Ser684= (NM_001406626.1); c.2049A>T, p.Ser683= (NM_001406627.1, NM_001406628.1); c.1950A>T, p.Ser650= (NM_001406629.1, NM_001406630.1); c.2640A>T, p.Ser880= (NM_001406616.1, NM_001406617.1, NM_001406618.1 and 4 more transcripts); c.2637A>T, p.Ser879= (NM_001406620.1, NM_001406621.1, NM_001406622.1 and 1 more transcripts); c.2598A>T, p.Ser866= (NM_001406624.1); c.2595A>T, p.Ser865= (NM_001406625.1); c.3000A>T, p.Ser1000= (NM_001162426.2, NM_001406597.1, NM_001406598.1 and 2 more transcripts); and 8 more.
Identifiers: ClinVar variation 4866014 (VCV004866014.1).
Genomic context (GRCh38, chr9:132,896,727, plus strand): 5'-GGGGGTCTTGGTCTCACCGTTGTGGCCAGATGCCTCTTCATTGTGCCCTACCATGGAATC[T>A]GAGCACCCGTCATTACAACAGTCAAGCCTGTAAGAAAGCCGGGGAGGAAAAAAGGAGCTG-3'
Protein context (NP_000359.1, residues 991-1011): ERLDCCNDGC[Ser1001=]DSMVGHNEEA